The following is an entry in ClinVar:

NM_002972.4(SBF1):c.4528C>A (p.Leu1510Met)

Gene: SBF1 (SET binding factor 1; minus strand). Cytogenetic location: 22q13.33.
Variant type: single nucleotide variant.
Coding change: c.4528C>A on transcript NM_002972.4 (MANE Select); coding-DNA position 4528, C replaced by A.
Protein change: p.Leu1510Met; replaces leucine 1510 with methionine.
Molecular consequence: missense variant.
Genome position (GRCh38, 1-based): chr22:50,455,250, G>T on the plus strand (C>A on the coding strand, the complement: SBF1 is on the minus strand). VCF-style: chr22-50455250-G-T. GRCh37 (hg19) VCF-style: chr22-50893679-G-T.
Other names: c.4453C>A, p.Leu1485Met (NM_001365819.1); c.4531C>A, p.Leu1511Met (NM_001410794.1); c.4450C>A, p.Leu1484Met (NM_001410795.1); c.4528C>A, p.Leu1510Met (NM_197971.1); short protein forms L1484M, L1485M, L1510M, L1511M.
Identifiers: ClinVar variation 2120076 (VCV002120076.2), dbSNP rs2067202084, ClinGen allele CA412195587.

ClinVar aggregate classification (germline): Uncertain significance (1 of 4 stars; one submission).

Allele frequency attached by ClinVar (database versions not stated): gnomAD exomes below 0.00001; TOPMed below 0.00001.
gnomAD v4.1: 1 of 1,613,190 alleles (0.000062%); highest among the groups gnomAD compares: African/African-American, 0.0013%; no homozygotes.

Submission:

Labcorp Genetics (formerly Invitae), Labcorp
Classification: Uncertain significance. Last evaluated: 2024-01-02. Review status: criteria provided, single submitter. Criteria: Invitae Variant Classification Sherloc (09022015). Collection method: clinical testing. Allele origin: germline.
Comment: This sequence change replaces leucine, which is neutral and non-polar, with methionine, which is neutral and non-polar, at codon 1510 of the SBF1 protein (p.Leu1510Met). This variant is not present in population databases (gnomAD no frequency). This variant has not been reported in the literature in individuals affected with SBF1-related conditions. ClinVar contains an entry for this variant (Variation ID: 2120076). Advanced modeling of protein sequence and biophysical properties (such as structural, functional, and spatial information, amino acid conservation, physicochemical variation, residue mobility, and thermodynamic stability) performed at Invitae indicates that this missense variant is expected to disrupt SBF1 protein function with a positive predictive value of 80%. In summary, the available evidence is currently insufficient to determine the role of this variant in disease. Therefore, it has been classified as a Variant of Uncertain Significance.